The following is an entry in ClinVar:

ClinVar aggregate classification (germline): Uncertain significance (1 of 4 stars; one submission).

Conditions:
Familial adenomatous polyposis 1 (FAP1). Also called: FAMILIAL ADENOMATOUS POLYPOSIS 1, ATTENUATED; POLYPOSIS, ADENOMATOUS INTESTINAL. Identifiers: MedGen C2713442, MONDO:0021056, OMIM 175100. Disease mechanism: loss of function.

Submission:

Labcorp Genetics (formerly Invitae), Labcorp
Classification: Uncertain significance for Familial adenomatous polyposis 1. Last evaluated: 2025-01-26. Review status: criteria provided, single submitter. Criteria: Invitae Variant Classification Sherloc (09022015). Collection method: clinical testing. Allele origin: germline.
Comment: This variant occurs in a non-coding region of the APC gene. It does not change the encoded amino acid sequence of the APC protein. This variant is not present in population databases (gnomAD no frequency). This variant has not been reported in the literature in individuals affected with APC-related conditions. Experimental studies and prediction algorithms are not available or were not evaluated, and the functional significance of this variant is currently unknown. In summary, the available evidence is currently insufficient to determine the role of this variant in disease. Therefore, it has been classified as a Variant of Uncertain Significance.

NC_000005.10:g.112707378G>T

Gene: APC (APC regulator of Wnt signaling pathway; plus strand). Cytogenetic location: 5q22.2.
Variant type: single nucleotide variant.
Genome position: GRCh38 VCF-style: chr5-112707378-G-T. GRCh37 (hg19) VCF-style: chr5-112043075-G-T.
Identifiers: ClinVar variation 1435210 (VCV001435210.6), dbSNP rs1243549213, ClinGen allele CA2573138744.